The following is an entry in ClinVar:

ClinVar aggregate classification (germline): Pathogenic/Likely pathogenic. Review status: criteria provided, multiple submitters, no conflicts (2 of 4 stars). 4 submissions from 4 submitters: Pathogenic (1); Likely pathogenic (3). Last evaluated 2025-08-20.

Conditions:
Methylmalonic aciduria, cblA type (MACA). Also called: Methylmalonic aciduria, vitamin B12-responsive; Methylmalonic aciduria, vitamin b12-responsive, due to defect in synthesis of adenosylcobalamin, cbla complementation type; MMA cbl A type; Methylmalonic acidemia cblA type; Vitamin B12-responsive methylmalonic acidemia type cblA. Identifiers: Orphanet 28, Orphanet 79310, MedGen C1855109, MONDO:0009613, OMIM 251100.

Submissions (4):

Natera, Inc.
Classification: Likely pathogenic for Methylmalonic aciduria cblA type. Last evaluated: 2025-08-20. Review status: criteria provided, single submitter. Criteria: Natera Variant Classification Schema (03/2026). Collection method: clinical testing. Allele origin: germline.
Comment: The c.963_969+4del variant in MMAA is a frameshift variant predicted to shift the reading frame and introduce a stop codon. This variant is expected to result in nonsense mediated decay, truncation, or a dysfunctional protein product. This variant is rare in the general population with a frequency below the threshold expected for the associated phenotype(s). Given the available evidence, this variant is classified as Likely Pathogenic.

Fulgent Genetics
Classification: Likely pathogenic for Methylmalonic aciduria, cblA type. Last evaluated: 2024-05-22. Review status: criteria provided, single submitter. Criteria: ACMG Guidelines, 2015. Collection method: clinical testing. Allele origin: germline.

Labcorp Genetics (formerly Invitae), Labcorp
Classification: Pathogenic for Methylmalonic aciduria, cblA type. Last evaluated: 2023-11-15. Review status: criteria provided, single submitter. Criteria: Invitae Variant Classification Sherloc (09022015). Collection method: clinical testing. Allele origin: germline.
Comment: This variant results in the deletion of c.963_969+4del of the MMAA gene. While this variant is not anticipated to result in nonsense mediated decay, it likely alters RNA splicing and results in a disrupted protein product. This variant is not present in population databases (gnomAD no frequency). This variant has not been reported in the literature in individuals affected with MMAA-related conditions. Variants that disrupt the consensus splice site are a relatively common cause of aberrant splicing (PMID: 17576681, 9536098). This variant disrupts a region of the MMAA protein in which other variant(s) (p.Arg359*) have been determined to be pathogenic (PMID: 23026888; Invitae). This suggests that this is a clinically significant region of the protein, and that variants that disrupt it are likely to be disease-causing. For these reasons, this variant has been classified as Pathogenic.

Baylor Genetics
Classification: Likely pathogenic for Methylmalonic aciduria, cblA type. Last evaluated: 2023-04-05. Review status: criteria provided, single submitter. Criteria: ACMG Guidelines, 2015. Collection method: clinical testing. Allele origin: unknown.

Literature cited by the submitters: PubMed 17576681 (cited by Labcorp Genetics (formerly Invitae), Labcorp); PubMed 9536098 (cited by Labcorp Genetics (formerly Invitae), Labcorp); PubMed 23026888 (cited by Labcorp Genetics (formerly Invitae), Labcorp).

NM_172250.3(MMAA):c.963_969+4del

Gene: MMAA (metabolism of cobalamin associated A; plus strand). Cytogenetic location: 4q31.21.
Variant type: Deletion.
Coding change: c.963_969+4del on transcript NM_172250.3 (MANE Select); coding-DNA position 963 through 4 bases into the intron after coding-DNA position 969, 11 bases deleted (ACCAAAGGTAA).
Molecular consequence: splice donor variant.
Genome position (GRCh38, 1-based): chr4:145,654,137-145,654,147, ACCAAAGGTAA deleted; deleting any 11 consecutive bases within chr4:145,654,135-145,654,147 gives the same sequence; the c. name uses the placement nearest the transcript's 3' end. VCF-style (leftmost placement, unchanged base first): chr4-145654134-GAAACCAAAGGT-G. GRCh37 (hg19) VCF-style: chr4-146575286-GAAACCAAAGGT-G.
Other names: c.963_969+4del (NM_172250.2, NM_001375644.1).
Identifiers: ClinVar variation 2676606 (VCV002676606.6), dbSNP rs2546344998, ClinGen allele CA2578205222.